The following is an entry in ClinVar:

NM_001165963.4(SCN1A):c.3550+1G>A

Genes: SCN1A (sodium voltage-gated channel alpha subunit 1; minus strand), LOC102724058 (uncharacterized LOC102724058; plus strand). Cytogenetic location: 2q24.3.
Variant type: single nucleotide variant.
Coding change: c.3550+1G>A on transcript NM_001165963.4 (MANE Select); the canonical splice donor site of the intron after coding-DNA position 3550, G replaced by A.
Molecular consequence: splice donor variant.
Genome position (GRCh38, 1-based): chr2:166,015,606, C>T on the plus strand (G>A on the coding strand, the complement: SCN1A is on the minus strand). VCF-style: chr2-166015606-C-T. GRCh37 (hg19) VCF-style: chr2-166872116-C-T.
Other names: c.3517+1G>A (NM_001353949.2, NM_001353950.2, NM_001353951.2 and 2 more transcripts); c.3466+1G>A (NM_001353958.2, NM_001353957.2, NM_001165964.3); c.3550+1G>A (NM_001202435.3, NM_001353948.2); c.3514+1G>A (NM_001353955.2, NM_001353954.2); c.3463+1G>A (NM_001353960.2); c.1108+1G>A (NM_001353961.2).
Identifiers: ClinVar variation 190008 (VCV000190008.2), dbSNP rs794726836, ClinGen allele CA303539.

ClinVar aggregate classification (germline): Pathogenic. Review status: criteria provided, multiple submitters, no conflicts (2 of 4 stars). 2 submissions from 2 submitters: Pathogenic (2). Last evaluated 2025-10-29.

Conditions:
Early-infantile DEE. Also called: Early infantile epileptic encephalopathy; Ohtahara syndrome; Early infantile epileptic encephalopathy with suppression bursts. Identifiers: Orphanet 1934, MedGen C0393706, MONDO:0800491.
Severe myoclonic epilepsy in infancy (DRVT). Also called: Epileptic encephalopathy, early infantile, 6 (Dravet syndrome); SEVERE MYOCLONIC EPILEPSY OF INFANCY; DEVELOPMENTAL AND EPILEPTIC ENCEPHALOPATHY 6A; Severe Myoclonic Epilepsy in Infancy (SMEI); Dravet syndrome. Identifiers: Orphanet 33069, MedGen C0751122, MONDO:0100135, OMIM 607208.

Submissions (2):

Labcorp Genetics (formerly Invitae), Labcorp
Classification: Pathogenic for Early-infantile DEE. Last evaluated: 2025-10-29. Review status: criteria provided, single submitter. Criteria: Invitae Variant Classification Sherloc (09022015). Collection method: clinical testing. Allele origin: germline.
Comment: This sequence change affects a donor splice site in intron 17 of the SCN1A gene. It is expected to disrupt RNA splicing. Variants that disrupt the donor or acceptor splice site typically lead to a loss of protein function (PMID: 16199547), and loss-of-function variants in SCN1A are known to be pathogenic (PMID: 17347258, 18930999). This variant is not present in population databases (gnomAD no frequency). Disruption of this splice site has been observed in individual(s) with severe myoclonic epilepsy in infancy (PMID: 16430863). In at least one individual the variant was observed to be de novo. ClinVar contains an entry for this variant (Variation ID: 190008). Algorithms developed to predict the effect of sequence changes on RNA splicing suggest that this variant may disrupt the consensus splice site. For these reasons, this variant has been classified as Pathogenic.

Center for Bioinformatics, Peking University
Classification: Pathogenic for Dravet syndrome. Last evaluated: 2014-12-20. Review status: criteria provided, single submitter. Criteria: Xu et al. (Hum Mutat. 2015). Collection method: research. Allele origin: de novo. Affected: yes. Observed: 1 variant allele. Study: University Clinical Cooperation “985 Project” PKU-2014-1-1.
Comment: Dravet syndrome (DS) probands were recruited from the outpatient and inpatient child neurology units of Peking University First Hospital from 2005 till present. The study was approved by the Ethics Committee of Peking University First Hospital and the Institutional Review Board at Peking University. Participants or their parents provided written informed consent before enrollment. We collected a total of 267 mutations from 255 families with probands diagnosed with DS in China. All probands fulfilled the clinical diagnostic criteria.

Literature cited by the submitters: PubMed 16199547 (cited by Labcorp Genetics (formerly Invitae), Labcorp); PubMed 17347258 (cited by Labcorp Genetics (formerly Invitae), Labcorp); PubMed 18930999 (cited by Labcorp Genetics (formerly Invitae), Labcorp); PubMed 16430863 (cited by Labcorp Genetics (formerly Invitae), Labcorp).